The following is an entry in ClinVar:

NM_001367721.1(CASK):c.375A>G (p.Ile125Met)

Gene: CASK (calcium/calmodulin dependent serine protein kinase; minus strand). Cytogenetic location: Xp11.4.
Variant type: single nucleotide variant.
Coding change: c.375A>G on transcript NM_001367721.1 (MANE Select); coding-DNA position 375, A replaced by G.
Protein change: p.Ile125Met; replaces isoleucine 125 with methionine.
Molecular consequence: missense variant.
Genome position (GRCh38, 1-based): chrX:41,739,438, T>C on the plus strand (A>G on the coding strand, the complement: CASK is on the minus strand). VCF-style: chrX-41739438-T-C. GRCh37 (hg19) VCF-style: chrX-41598691-T-C.
Other names: c.375A>G, p.Ile125Met (NM_001126054.3, NM_001126055.3, NM_001410745.1 and 1 more transcripts); short protein forms I125M.
Identifiers: ClinVar variation 4088093 (VCV004088093.1).

ClinVar aggregate classification (germline): Uncertain significance (1 of 4 stars; one submission).

Submission:

GeneDx
Classification: Uncertain significance. Last evaluated: 2025-03-29. Review status: criteria provided, single submitter. Criteria: GeneDx Variant Classification Process June 2021. Collection method: clinical testing. Allele origin: germline. Affected: yes.
Comment: Not observed at significant frequency in large population cohorts (gnomAD); In silico analysis indicates that this missense variant does not alter protein structure/function; Has not been previously published as pathogenic or benign to our knowledge